The following is an entry in ClinVar:

NM_198407.2(GHSR):c.219G>T (p.Glu73Asp)

Gene: GHSR (growth hormone secretagogue receptor; minus strand). Cytogenetic location: 3q26.31.
Variant type: single nucleotide variant.
Coding change: c.219G>T on transcript NM_198407.2 (MANE Select); coding-DNA position 219, G replaced by T.
Protein change: p.Glu73Asp; replaces glutamic acid 73 with aspartic acid.
Molecular consequence: missense variant.
Genome position (GRCh38, 1-based): chr3:172,448,195, C>A on the plus strand (G>T on the coding strand, the complement: GHSR is on the minus strand). VCF-style: chr3-172448195-C-A. GRCh37 (hg19) VCF-style: chr3-172165985-C-A.
Other names: c.219G>T, p.Glu73Asp (NM_004122.2); short protein forms E73D.
Identifiers: ClinVar variation 449175 (VCV000449175.4), dbSNP rs896390704, ClinGen allele CA87785997.

ClinVar aggregate classification (germline): Uncertain significance. Review status: criteria provided, multiple submitters, no conflicts (2 of 4 stars). 2 submissions from 2 submitters: Uncertain significance (2). Last evaluated 2025-07-31.

Allele frequency attached by ClinVar (database versions not stated): gnomAD exomes below 0.00001; TOPMed 0.00001; gnomAD 0.00002.
gnomAD v4.1: 11 of 1,614,082 alleles (0.00068%); highest among the groups gnomAD compares: African/African-American, 0.013%; no homozygotes.

Submissions (2):

Labcorp Genetics (formerly Invitae), Labcorp
Classification: Uncertain significance. Last evaluated: 2025-07-31. Review status: criteria provided, single submitter. Criteria: Invitae Variant Classification Sherloc (09022015). Collection method: clinical testing. Allele origin: germline.
Comment: This sequence change replaces glutamic acid, which is acidic and polar, with aspartic acid, which is acidic and polar, at codon 73 of the GHSR protein (p.Glu73Asp). This variant is not present in population databases (gnomAD no frequency). This variant has not been reported in the literature in individuals affected with GHSR-related conditions. ClinVar contains an entry for this variant (Variation ID: 449175). Invitae Evidence Modeling of protein sequence and biophysical properties (such as structural, functional, and spatial information, amino acid conservation, physicochemical variation, residue mobility, and thermodynamic stability) indicates that this missense variant is not expected to disrupt GHSR protein function with a negative predictive value of 80%. In summary, the available evidence is currently insufficient to determine the role of this variant in disease. Therefore, it has been classified as a Variant of Uncertain Significance.

GeneDx
Classification: Uncertain significance. Last evaluated: 2017-10-24. Review status: criteria provided, single submitter. Criteria: GeneDx Variant Classification (06012015). Collection method: clinical testing. Allele origin: germline. Affected: yes.
Comment: The E73D variant has not been published as a pathogenic variant, nor has it been reported as a benign variant to our knowledge. The E73D variant is not observed in large population cohorts (Lek et al., 2016). The E73D variant is a conservative amino acid substitution, which occurs at a position where amino acids with similar properties to Glutamic acid are tolerated across species. In silico analysis is inconsistent in its predictions as to whether or not the variant is damaging to the protein structure/function. We interpret E73D as a variant of uncertain significance.